The following is an entry in ClinVar:

NM_001377.3(DYNC2H1):c.12214A>G (p.Ile4072Val)

Gene: DYNC2H1 (dynein cytoplasmic 2 heavy chain 1; plus strand). Cytogenetic location: 11q22.3.
Variant type: single nucleotide variant.
Coding change: c.12214A>G on transcript NM_001377.3 (MANE Select); coding-DNA position 12214, A replaced by G.
Protein change: p.Ile4072Val; replaces isoleucine 4072 with valine.
Molecular consequence: missense variant.
Genome position (GRCh38, 1-based): chr11:103,399,720, A>G. VCF-style: chr11-103399720-A-G. GRCh37 (hg19) VCF-style: chr11-103270448-A-G.
Other names: c.12235A>G, p.Ile4079Val (NM_001080463.2); short protein forms I4072V, I4079V.
Identifiers: ClinVar variation 4015625 (VCV004015625.2).

ClinVar aggregate classification (germline): Uncertain significance. Review status: criteria provided, multiple submitters, no conflicts (2 of 4 stars). 2 submissions from 2 submitters: Uncertain significance (2). Last evaluated 2025-09-23.

Conditions:
Jeune thoracic dystrophy. Also called: Jeune syndrome; Infantile thoracic dystrophy; Thoracic pelvic phalangeal dystrophy; Jeune's syndrome; Chondroectodermal dysplasia-like syndrome; Short-rib thoracic dysplasia. Identifiers: Orphanet 474, MedGen C0265275, MONDO:0018770.
Inborn genetic diseases. Identifiers: MedGen C0950123, MeSH D030342.

gnomAD v4.1: 13 of 1,613,766 alleles (0.00081%); highest among the groups gnomAD compares: Admixed American, 0.0017%; no homozygotes.

Submissions (2):

Labcorp Genetics (formerly Invitae), Labcorp
Classification: Uncertain significance for Jeune thoracic dystrophy. Last evaluated: 2025-09-23. Review status: criteria provided, single submitter. Criteria: Invitae Variant Classification Sherloc (09022015). Collection method: clinical testing. Allele origin: germline.
Comment: This sequence change replaces isoleucine, which is neutral and non-polar, with valine, which is neutral and non-polar, at codon 4079 of the DYNC2H1 protein (p.Ile4079Val). This variant is present in population databases (rs757485579, gnomAD 0.004%). This variant has not been reported in the literature in individuals affected with DYNC2H1-related conditions. ClinVar contains an entry for this variant (Variation ID: 4015625). Invitae Evidence Modeling of protein sequence and biophysical properties (such as structural, functional, and spatial information, amino acid conservation, physicochemical variation, residue mobility, and thermodynamic stability) indicates that this missense variant is not expected to disrupt DYNC2H1 protein function with a negative predictive value of 95%. In summary, the available evidence is currently insufficient to determine the role of this variant in disease. Therefore, it has been classified as a Variant of Uncertain Significance.

Ambry Genetics
Classification: Uncertain significance for Inborn genetic diseases. Last evaluated: 2025-05-04. Review status: criteria provided, single submitter. Criteria: Ambry Variant Classification Scheme 2023. Collection method: clinical testing. Allele origin: germline.